The following is an entry in ClinVar:

ClinVar aggregate classification (germline): Uncertain significance (1 of 4 stars; one submission).

Conditions:
ADCY3-related disorder. Also called: ADCY3-related condition.

Allele frequency attached by ClinVar (database versions not stated): gnomAD 0.00005; TOPMed 0.00008; ExAC 0.00013.
gnomAD v4.1: 67 of 1,576,320 alleles (0.0043%); highest among the groups gnomAD compares: Middle Eastern, 0.019%; no homozygotes.

Submission:

PreventionGenetics, part of Exact Sciences
Classification: Uncertain significance for ADCY3-related condition. Last evaluated: 2025-10-11. Review status: criteria provided, single submitter. Criteria: ACMG Guidelines, 2015. Collection method: clinical testing. Allele origin: germline.
Comment: The ADCY3 c.1153G>A variant is predicted to result in the amino acid substitution p.Val385Ile. This variant has been reported in obese individuals; however, no evidence was provided to support its pathogenicity (Manco et al. 2023. PubMed ID: 36775011; Supplemental Table 1, Roberts et al. 2022. PubMed ID: 35562395). This variant is reported in 0.022% of alleles in individuals of Ashkenazi Jewish descent in gnomAD. At this time, the clinical significance of this variant is uncertain due to the absence of conclusive functional and genetic evidence.

NM_004036.5(ADCY3):c.1153G>A (p.Val385Ile)

Gene: ADCY3 (adenylate cyclase 3; minus strand). Cytogenetic location: 2p23.3.
Variant type: single nucleotide variant.
Coding change: c.1153G>A on transcript NM_004036.5 (MANE Select); coding-DNA position 1153, G replaced by A.
Protein change: p.Val385Ile; replaces valine 385 with isoleucine.
Molecular consequence: missense variant.
Genome position (GRCh38, 1-based): chr2:24,841,302, C>T on the plus strand (G>A on the coding strand, the complement: ADCY3 is on the minus strand). VCF-style: chr2-24841302-C-T. GRCh37 (hg19) VCF-style: chr2-25064171-C-T.
Other names: c.1153G>A, p.Val385Ile (NM_001320613.2, NM_001377128.1, NM_001377129.1 and 2 more transcripts); c.430G>A, p.Val144Ile (NM_001377131.1); short protein forms V144I, V385I.
Identifiers: ClinVar variation 2631980 (VCV002631980.4), dbSNP rs756783003, ClinGen allele CA1554280.